The following is an entry in ClinVar:

ClinVar aggregate classification (germline): Likely benign. Review status: criteria provided, single submitter (1 of 4 stars). 2 submissions from 2 submitters: Likely benign (1). 1 of the submissions does not count toward it. Last evaluated 2024-03-22.

Conditions:
CREBBP-related disorder. Also called: CREBBP-related condition; CREBBP-related disorders.
Rubinstein-Taybi syndrome (RSTS). Identifiers: Orphanet 783, MedGen C0035934, MONDO:0019188.

Allele frequency attached by ClinVar (database versions not stated): ExAC 0.00001; gnomAD exomes 0.00001; TOPMed 0.00001.
gnomAD v4.1: 15 of 1,614,110 alleles (0.00093%); highest among the groups gnomAD compares: Non-Finnish European, 0.0011%; no homozygotes.

Submissions (2):

Labcorp Genetics (formerly Invitae), Labcorp
Classification: Likely benign for Rubinstein-Taybi syndrome. Last evaluated: 2024-03-22. Review status: criteria provided, single submitter. Criteria: Invitae Variant Classification Sherloc (09022015). Collection method: clinical testing. Allele origin: germline.

PreventionGenetics, part of Exact Sciences
Classification: Likely benign for CREBBP-related condition. Last evaluated: 2023-12-31. Review status: no assertion criteria provided. Collection method: clinical testing. Allele origin: germline. Not counted in ClinVar's aggregate classification.
Comment: This variant is classified as likely benign based on ACMG/AMP sequence variant interpretation guidelines (Richards et al. 2015 PMID: 25741868, with internal and published modifications).

NM_004380.3(CREBBP):c.1494G>A (p.Thr498=)

Gene: CREBBP (CREB binding lysine acetyltransferase; minus strand). Cytogenetic location: 16p13.3.
Variant type: single nucleotide variant.
Coding change: c.1494G>A on transcript NM_004380.3 (MANE Select); coding-DNA position 1494, G replaced by A.
Protein change: p.Thr498=; no amino-acid change (threonine 498 retained).
Molecular consequence: synonymous variant.
Genome position (GRCh38, 1-based): chr16:3,782,763, C>T on the plus strand (G>A on the coding strand, the complement: CREBBP is on the minus strand). VCF-style: chr16-3782763-C-T. GRCh37 (hg19) VCF-style: chr16-3832764-C-T.
Other names: c.1380G>A, p.Thr460= (NM_001079846.1).
Identifiers: ClinVar variation 3035690 (VCV003035690.4), dbSNP rs756308866, ClinGen allele CA7870446.